The following is an entry in ClinVar:

ClinVar aggregate classification (germline): Conflicting classifications of pathogenicity. Review status: criteria provided, conflicting classifications (1 of 4 stars). 3 submissions from 3 submitters: Uncertain significance (2); Likely benign (1). Last evaluated 2026-07-09.

Conditions:
FUS-related disorder. Also called: FUS-related condition.
Amyotrophic lateral sclerosis type 6. Also called: Amyotrophic lateral sclerosis 6, with or without frontotemporal dementia; FUS-Related Amyotrophic Laterial Sclerosis; AMYOTROPHIC LATERAL SCLEROSIS 6 WITHOUT FRONTOTEMPORAL DEMENTIA. Identifiers: Orphanet 275872, Orphanet 803, MedGen C2931786, MONDO:0011951, OMIM 608030.
Tremor, hereditary essential, 4 (ETM4). Identifiers: MedGen C3539195, MONDO:0013888, OMIM 614782.

Allele frequency attached by ClinVar (database versions not stated): ESP Exome Variant Server 0.00008; gnomAD 0.00012 and 0.00014; ExAC 0.00014; gnomAD exomes 0.00014; TOPMed 0.00015.
gnomAD v4.1: 261 of 1,595,454 alleles (0.016%); highest among the groups gnomAD compares: Non-Finnish European, 0.02%; no homozygotes.

Submissions (3):

PreventionGenetics, part of Exact Sciences
Classification: Uncertain significance for FUS-related condition. Last evaluated: 2026-07-09. Review status: criteria provided, single submitter. Criteria: ACMG Guidelines, 2015. Collection method: clinical testing. Allele origin: germline.
Comment: The FUS c.*48G>A variant is located in the 3' untranslated region. This variant has been reported in two patients with ALS, along with other neighboring variants in the 3’ untranslated region (Sabatelli et al. 2013. PubMed ID: 23847048). However the c.*48G>A variant has been reported in ~0.049% of Ashkenazi Jews and ~0.022% of non-Finnish Europeans in gnomAD. The c.*48G>A variant has also been interpreted as likely benign by another lab in ClinVar (Variation ID: 493179). Although we suspect that this variant may be benign, the clinical significance of this variant is uncertain at this time due to the absence of conclusive functional and genetic evidence.

Labcorp Genetics (formerly Invitae), Labcorp
Classification: Likely benign for Tremor, hereditary essential, 4; Amyotrophic lateral sclerosis type 6. Last evaluated: 2022-05-27. Review status: criteria provided, single submitter. Criteria: Invitae Variant Classification Sherloc (09022015). Collection method: clinical testing. Allele origin: germline.

CeGaT Center for Human Genetics Tuebingen
Classification: Uncertain significance. Last evaluated: 2017-12-01. Review status: criteria provided, single submitter. Criteria: CeGaT Center For Human Genetics Tuebingen Variant Classification Criteria Version 2. Collection method: clinical testing. Allele origin: germline. Affected: yes. Observed: 1 variant allele.

NM_004960.4(FUS):c.*48G>A

Gene: FUS (FUS DNA/RNA binding protein; plus strand). Cytogenetic location: 16p11.2.
Variant type: single nucleotide variant.
Coding change: c.*48G>A on transcript NM_004960.4 (MANE Select); 48 bases downstream of the stop codon, G replaced by A.
Molecular consequence: 3 prime UTR variant. On other transcripts: non-coding transcript variant (1).
Genome position (GRCh38, 1-based): chr16:31,191,486, G>A. VCF-style: chr16-31191486-G-A. GRCh37 (hg19) VCF-style: chr16-31202807-G-A.
Other names: c.*48G>A (NM_001170634.1, NM_001170937.1).
Identifiers: ClinVar variation 493179 (VCV000493179.53), dbSNP rs376510148, ClinGen allele CA8024132.